The following is an entry in ClinVar:

ClinVar aggregate classification (germline): Uncertain significance (1 of 4 stars; one submission).

gnomAD v4.1: 7 of 1,550,054 alleles (0.00045%); highest among the groups gnomAD compares: South Asian, 0.0047%; no homozygotes.

Submission:

Labcorp Genetics (formerly Invitae), Labcorp
Classification: Uncertain significance. Last evaluated: 2024-05-12. Review status: criteria provided, single submitter. Criteria: Invitae Variant Classification Sherloc (09022015). Collection method: clinical testing. Allele origin: germline.
Comment: This sequence change replaces glutamine, which is neutral and polar, with glutamic acid, which is acidic and polar, at codon 67 of the LOX protein (p.Gln67Glu). This variant is present in population databases (no rsID available, gnomAD 0.009%). This variant has not been reported in the literature in individuals affected with LOX-related conditions. Advanced modeling of protein sequence and biophysical properties (such as structural, functional, and spatial information, amino acid conservation, physicochemical variation, residue mobility, and thermodynamic stability) performed at Invitae indicates that this missense variant is not expected to disrupt LOX protein function with a negative predictive value of 80%. In summary, the available evidence is currently insufficient to determine the role of this variant in disease. Therefore, it has been classified as a Variant of Uncertain Significance.

NM_002317.7(LOX):c.199C>G (p.Gln67Glu)

Genes: LOX (lysyl oxidase; minus strand), SRFBP1 (serum response factor binding protein 1; plus strand). Cytogenetic location: 5q23.1.
Variant type: single nucleotide variant.
Coding change: c.199C>G on transcript NM_002317.7 (MANE Select); coding-DNA position 199, C replaced by G.
Protein change: p.Gln67Glu; replaces glutamine 67 with glutamic acid.
Molecular consequence: missense variant.
Genome position (GRCh38, 1-based): chr5:122,077,787, G>C on the plus strand (C>G on the coding strand, the complement: LOX is on the minus strand). VCF-style: chr5-122077787-G-C. GRCh37 (hg19) VCF-style: chr5-121413482-G-C.
Other names: short protein forms Q67E.
Identifiers: ClinVar variation 3610800 (VCV003610800.2).